The following is an entry in ClinVar:

NM_004991.4(MECOM):c.1039G>T (p.Ala347Ser)

Gene: MECOM (MDS1 and EVI1 complex locus; minus strand). Cytogenetic location: 3q26.2.
Variant type: single nucleotide variant.
Coding change: c.1039G>T on transcript NM_004991.4 (MANE Select); coding-DNA position 1039, G replaced by T.
Protein change: p.Ala347Ser; replaces alanine 347 with serine.
Molecular consequence: missense variant.
Genome position (GRCh38, 1-based): chr3:169,121,149, C>A on the plus strand (G>T on the coding strand, the complement: MECOM is on the minus strand). VCF-style: chr3-169121149-C-A. GRCh37 (hg19) VCF-style: chr3-168838937-C-A.
Other names: c.670G>T, p.Ala224Ser (NM_001105077.4); c.475G>T, p.Ala159Ser (NM_001105078.4, NM_001164000.2, NM_001205194.2 and 5 more transcripts); c.478G>T, p.Ala160Ser (NM_001163999.2, NM_001366467.2, NM_001366468.2 and 1 more transcripts); c.1039G>T, p.Ala347Ser (NM_001366466.2, NM_001366473.2); short protein forms A159S, A160S, A224S, A347S.
Identifiers: ClinVar variation 4859733 (VCV004859733.1).
Genomic context (GRCh38, chr3:169,121,149, plus strand): 5'-TGTGTTGTTTGAGGCCCGACGAAGTGGCAAACGTTTTGCCACACTCCGGGCATGCATGGG[C>A]CCGGGCACCGACATGCTGAGAGCGAATGTGCCGCTGAAGGTTGCTAGGGTCCGTGAAAAC-3'
Protein context (NP_004982.2, residues 337-357): HIRSQHVGAR[Ala347Ser]HACPECGKTF

ClinVar aggregate classification (germline): Uncertain significance (1 of 4 stars; one submission).

Conditions:
Inborn genetic diseases. Identifiers: MedGen C0950123, MeSH D030342.

gnomAD v4.1: 1 of 1,613,496 alleles (0.000062%); highest among the groups gnomAD compares: Non-Finnish European, 0.000085%; no homozygotes.

Submission:

Ambry Genetics
Classification: Uncertain significance for Inborn genetic diseases. Last evaluated: 2026-04-15. Review status: criteria provided, single submitter. Criteria: Ambry Variant Classification Scheme 2023. Collection method: clinical testing. Allele origin: germline.
Comment: The p.A347S variant (also known as c.1039G>T), located in coding exon 7 of the MECOM gene, results from a G to T substitution at nucleotide position 1039. The alanine at codon 347 is replaced by serine, an amino acid with similar properties. This amino acid position is conserved. In addition, this alteration is predicted to be tolerated by in silico analysis. Based on the available evidence, the clinical significance of this variant remains unclear.